The following is an entry in ClinVar:

NM_001378183.1(PIEZO2):c.127C>G (p.Leu43Val)

Gene: PIEZO2 (piezo type mechanosensitive ion channel component 2; minus strand). Cytogenetic location: 18p11.21.
Variant type: single nucleotide variant.
Coding change: c.127C>G on transcript NM_001378183.1 (MANE Select); coding-DNA position 127, C replaced by G.
Protein change: p.Leu43Val; replaces leucine 43 with valine.
Molecular consequence: missense variant.
Genome position (GRCh38, 1-based): chr18:11,066,160, G>C on the plus strand (C>G on the coding strand, the complement: PIEZO2 is on the minus strand). VCF-style: chr18-11066160-G-C. GRCh37 (hg19) VCF-style: chr18-11066159-G-C.
Other names: c.127C>G, p.Leu43Val (NM_001410871.1, NM_022068.4); short protein forms L43V.
Identifiers: ClinVar variation 3339594 (VCV003339594.1).

ClinVar aggregate classification (germline): Uncertain significance (1 of 4 stars; one submission).

Submission:

Women's Health and Genetics/Laboratory Corporation of America, LabCorp
Classification: Uncertain significance. Last evaluated: 2024-06-12. Review status: criteria provided, single submitter. Criteria: LabCorp Variant Classification Summary - May 2015. Collection method: clinical testing. Allele origin: germline.
Comment: Variant summary: PIEZO2 c.127C>G (p.Leu43Val) results in a conservative amino acid change in the encoded protein sequence. Four of four in-silico tools predict a benign effect of the variant on protein function. The variant was absent in 141898 control chromosomes. To our knowledge, no experimental evidence demonstrating an impact on protein function has been reported. No submitters have cited clinical-significance assessments for this variant to ClinVar. Based on the evidence outlined above, the variant was classified as VUS-possibly pathogenic.